The following is an entry in ClinVar:

NM_001363711.2(DUOX2):c.3259G>A (p.Ala1087Thr)

Gene: DUOX2 (dual oxidase 2; minus strand). Cytogenetic location: 15q21.1.
Variant type: single nucleotide variant.
Coding change: c.3259G>A on transcript NM_001363711.2 (MANE Select); coding-DNA position 3259, G replaced by A.
Protein change: p.Ala1087Thr; replaces alanine 1087 with threonine.
Molecular consequence: missense variant.
Genome position (GRCh38, 1-based): chr15:45,099,818, C>T on the plus strand (G>A on the coding strand, the complement: DUOX2 is on the minus strand). VCF-style: chr15-45099818-C-T. GRCh37 (hg19) VCF-style: chr15-45392016-C-T.
Other names: c.3259G>A, p.Ala1087Thr (NM_014080.5); short protein forms A1087T.
Identifiers: ClinVar variation 1487890 (VCV001487890.6), dbSNP rs2141144310, ClinGen allele CA392262257.
Genomic context (GRCh38, chr15:45,099,818, plus strand): 5'-TTATGAGGTTGCGGCACATGGTGAGCAAGATATAAGAGAACATGAAGGAGACGCTGGCCG[C>T]CGTGCCTCGTGACAGGATGATGCCCACGAGGGTGGTCTGTGCAATGTCCGAGGGTGGCGA-3'
Protein context (NP_001350640.1, residues 1077-1097): LVGIILSRGT[Ala1087Thr]ASVSFMFSYI

ClinVar aggregate classification (germline): Uncertain significance (1 of 4 stars; one submission).

Submission:

Labcorp Genetics (formerly Invitae), Labcorp
Classification: Uncertain significance. Last evaluated: 2021-10-18. Review status: criteria provided, single submitter. Criteria: Invitae Variant Classification Sherloc (09022015). Collection method: clinical testing. Allele origin: germline.
Comment: This variant has not been reported in the literature in individuals affected with DUOX2-related conditions. In summary, the available evidence is currently insufficient to determine the role of this variant in disease. Therefore, it has been classified as a Variant of Uncertain Significance. Advanced modeling of protein sequence and biophysical properties (such as structural, functional, and spatial information, amino acid conservation, physicochemical variation, residue mobility, and thermodynamic stability) performed at Invitae indicates that this missense variant is expected to disrupt DUOX2 protein function. This variant is not present in population databases (ExAC no frequency). This sequence change replaces alanine with threonine at codon 1087 of the DUOX2 protein (p.Ala1087Thr). The alanine residue is highly conserved and there is a small physicochemical difference between alanine and threonine.